The following is an entry in ClinVar:

ClinVar aggregate classification (germline): Uncertain significance (1 of 4 stars; one submission).

Allele frequency attached by ClinVar (database versions not stated): gnomAD exomes below 0.00001 and 0.00001; TOPMed below 0.00001.
gnomAD v4.1: 1 of 1,551,074 alleles (0.000064%); highest among the groups gnomAD compares: Admixed American, 0.002%; no homozygotes.

Submission:

Labcorp Genetics (formerly Invitae), Labcorp
Classification: Uncertain significance. Last evaluated: 2021-07-28. Review status: criteria provided, single submitter. Criteria: Invitae Variant Classification Sherloc (09022015). Collection method: clinical testing. Allele origin: germline.
Comment: In summary, the available evidence is currently insufficient to determine the role of this variant in disease. Therefore, it has been classified as a Variant of Uncertain Significance. Algorithms developed to predict the effect of missense changes on protein structure and function output the following: SIFT: "Tolerated"; PolyPhen-2: "Benign"; Align-GVGD: "Class C0". The valine amino acid residue is found in multiple mammalian species, which suggests that this missense change does not adversely affect protein function. This variant has not been reported in the literature in individuals affected with KPNA7-related conditions. This variant is not present in population databases (ExAC no frequency). This sequence change replaces isoleucine with valine at codon 426 of the KPNA7 protein (p.Ile426Val). The isoleucine residue is weakly conserved and there is a small physicochemical difference between isoleucine and valine.

NM_001145715.3(KPNA7):c.1276A>G (p.Ile426Val)

Gene: KPNA7 (karyopherin subunit alpha 7; minus strand). Cytogenetic location: 7q22.1.
Variant type: single nucleotide variant.
Coding change: c.1276A>G on transcript NM_001145715.3 (MANE Select); coding-DNA position 1276, A replaced by G.
Protein change: p.Ile426Val; replaces isoleucine 426 with valine.
Molecular consequence: missense variant.
Genome position (GRCh38, 1-based): chr7:99,181,924, T>C on the plus strand (A>G on the coding strand, the complement: KPNA7 is on the minus strand). VCF-style: chr7-99181924-T-C. GRCh37 (hg19) VCF-style: chr7-98779547-T-C.
Other names: short protein forms I426V.
Identifiers: ClinVar variation 1400292 (VCV001400292.8), dbSNP rs1563070158, ClinGen allele CA368417863.